The following is an entry in ClinVar:

ClinVar aggregate classification (germline): Uncertain significance (1 of 4 stars; one submission).

gnomAD v4.1: 1 of 1,613,284 alleles (0.000062%); highest among the groups gnomAD compares: Non-Finnish European, 0.000085%; no homozygotes.

Submission:

Labcorp Genetics (formerly Invitae), Labcorp
Classification: Uncertain significance. Last evaluated: 2025-08-04. Review status: criteria provided, single submitter. Criteria: Invitae Variant Classification Sherloc (09022015). Collection method: clinical testing. Allele origin: germline.
Comment: This sequence change replaces alanine, which is neutral and non-polar, with valine, which is neutral and non-polar, at codon 350 of the IHH protein (p.Ala350Val). This variant is not present in population databases (gnomAD no frequency). This variant has not been reported in the literature in individuals affected with IHH-related conditions. Invitae Evidence Modeling of protein sequence and biophysical properties (such as structural, functional, and spatial information, amino acid conservation, physicochemical variation, residue mobility, and thermodynamic stability) indicates that this missense variant is not expected to disrupt IHH protein function with a negative predictive value of 80%. In summary, the available evidence is currently insufficient to determine the role of this variant in disease. Therefore, it has been classified as a Variant of Uncertain Significance.

NM_002181.4(IHH):c.1049C>T (p.Ala350Val)

Gene: IHH (Indian hedgehog signaling molecule; minus strand). Cytogenetic location: 2q35.
Variant type: single nucleotide variant.
Coding change: c.1049C>T on transcript NM_002181.4 (MANE Select); coding-DNA position 1049, C replaced by T.
Protein change: p.Ala350Val; replaces alanine 350 with valine.
Molecular consequence: missense variant.
Genome position (GRCh38, 1-based): chr2:219,055,394, G>A on the plus strand (C>T on the coding strand, the complement: IHH is on the minus strand). VCF-style: chr2-219055394-G-A. GRCh37 (hg19) VCF-style: chr2-219920116-G-A.
Other names: short protein forms A350V.
Identifiers: ClinVar variation 4742564 (VCV004742564.1).